The following is an entry in ClinVar:

ClinVar aggregate classification (germline): Uncertain significance (1 of 4 stars; one submission).

Conditions:
Familial cold autoinflammatory syndrome 3 (FCAS3). Also called: FAMILIAL ATYPICAL COLD URTICARIA; ANTIBODY DEFICIENCY AND IMMUNE DYSREGULATION, PLCG2-ASSOCIATED. Identifiers: Orphanet 300359, MedGen C3280914, MONDO:0013766, OMIM 614468.

Submission:

Labcorp Genetics (formerly Invitae), Labcorp
Classification: Uncertain significance for Familial cold autoinflammatory syndrome 3. Last evaluated: 2022-07-07. Review status: criteria provided, single submitter. Criteria: Invitae Variant Classification Sherloc (09022015). Collection method: clinical testing. Allele origin: germline.
Comment: This sequence change replaces phenylalanine, which is neutral and non-polar, with tyrosine, which is neutral and polar, at codon 1235 of the PLCG2 protein (p.Phe1235Tyr). This variant is not present in population databases (gnomAD no frequency). This variant has not been reported in the literature in individuals affected with PLCG2-related conditions. Algorithms developed to predict the effect of missense changes on protein structure and function (SIFT, PolyPhen-2, Align-GVGD) all suggest that this variant is likely to be tolerated. In summary, the available evidence is currently insufficient to determine the role of this variant in disease. Therefore, it has been classified as a Variant of Uncertain Significance.

NM_002661.5(PLCG2):c.3704T>A (p.Phe1235Tyr)

Gene: PLCG2 (phospholipase C gamma 2; plus strand). Cytogenetic location: 16q23.3.
Variant type: single nucleotide variant.
Coding change: c.3704T>A on transcript NM_002661.5 (MANE Select); coding-DNA position 3704, T replaced by A.
Protein change: p.Phe1235Tyr; replaces phenylalanine 1235 with tyrosine.
Molecular consequence: missense variant.
Genome position (GRCh38, 1-based): chr16:81,956,828, T>A. VCF-style: chr16-81956828-T-A. GRCh37 (hg19) VCF-style: chr16-81990433-T-A.
Other names: short protein forms F1235Y.
Identifiers: ClinVar variation 2009291 (VCV002009291.4), dbSNP rs1911589631, ClinGen allele CA396898454.
Genomic context (GRCh38, chr16:81,956,828, plus strand): 5'-TTCTGTATGACACACACCAGAACTTGCGCAATGCCAACCGGGATGCCCTGGTTAAAGAGT[T>A]CAGTGTTAATGAGAACCAGCTCCAGCTGTACCAGGAGAAATGCAACAAGAGGTAGGTCAG-3'
Protein context (NP_002652.2, residues 1225-1245): NANRDALVKE[Phe1235Tyr]SVNENQLQLY